The following is an entry in ClinVar:

NM_194318.4(B3GLCT):c.1451A>G (p.Asp484Gly)

Gene: B3GLCT (beta 3-glucosyltransferase; plus strand). Cytogenetic location: 13q12.3.
Variant type: single nucleotide variant.
Coding change: c.1451A>G on transcript NM_194318.4 (MANE Select); coding-DNA position 1451, A replaced by G.
Protein change: p.Asp484Gly; replaces aspartic acid 484 with glycine.
Molecular consequence: missense variant.
Genome position (GRCh38, 1-based): chr13:31,329,622, A>G. VCF-style: chr13-31329622-A-G. GRCh37 (hg19) VCF-style: chr13-31903759-A-G.
Other names: c.1451A>G (NM_194318.3); short protein forms D484G.
Identifiers: ClinVar variation 1407570 (VCV001407570.5), dbSNP rs1478212820, ClinGen allele CA387819800.

ClinVar aggregate classification (germline): Uncertain significance. Review status: criteria provided, multiple submitters, no conflicts (2 of 4 stars). 2 submissions from 2 submitters: Uncertain significance (2). Last evaluated 2025-01-29.

Conditions:
Inborn genetic diseases. Identifiers: MedGen C0950123, MeSH D030342.
Peters plus syndrome. Also called: KRAUSE-KIVLIN SYNDROME. Identifiers: Orphanet 709, MedGen C0796012, MONDO:0009856, OMIM 261540.

Allele frequency attached by ClinVar (database versions not stated): TOPMed below 0.00001; gnomAD exomes 0.00001 and 0.00002; gnomAD 0.00002.
gnomAD v4.1: 25 of 1,614,100 alleles (0.0015%); highest among the groups gnomAD compares: Non-Finnish European, 0.0021%; no homozygotes.

Submissions (2):

Ambry Genetics
Classification: Uncertain significance for Inborn genetic diseases. Last evaluated: 2025-01-29. Review status: criteria provided, single submitter. Criteria: Ambry Variant Classification Scheme 2023. Collection method: clinical testing. Allele origin: germline.

Labcorp Genetics (formerly Invitae), Labcorp
Classification: Uncertain significance for Peters plus syndrome. Last evaluated: 2024-10-15. Review status: criteria provided, single submitter. Criteria: Invitae Variant Classification Sherloc (09022015). Collection method: clinical testing. Allele origin: germline.
Comment: This sequence change replaces aspartic acid, which is acidic and polar, with glycine, which is neutral and non-polar, at codon 484 of the B3GLCT protein (p.Asp484Gly). This variant is present in population databases (no rsID available, gnomAD 0.004%). This variant has not been reported in the literature in individuals affected with B3GLCT-related conditions. ClinVar contains an entry for this variant (Variation ID: 1407570). An algorithm developed to predict the effect of missense changes on protein structure and function outputs the following: PolyPhen-2: "Benign". The glycine amino acid residue is found in multiple mammalian species, which suggests that this missense change does not adversely affect protein function. In summary, the available evidence is currently insufficient to determine the role of this variant in disease. Therefore, it has been classified as a Variant of Uncertain Significance.